The following is an entry in ClinVar:

NM_001035.3(RYR2):c.11236G>A (p.Ala3746Thr)

Gene: RYR2 (ryanodine receptor 2; plus strand). Cytogenetic location: 1q43.
Variant type: single nucleotide variant.
Coding change: c.11236G>A on transcript NM_001035.3 (MANE Select); coding-DNA position 11236, G replaced by A.
Protein change: p.Ala3746Thr; replaces alanine 3746 with threonine.
Molecular consequence: missense variant.
Genome position (GRCh38, 1-based): chr1:237,756,378, G>A. VCF-style: chr1-237756378-G-A. GRCh37 (hg19) VCF-style: chr1-237919678-G-A.
Other names: c.11236G>A (NM_001035.2); short protein forms A3746T.
Identifiers: ClinVar variation 3070830 (VCV003070830.2), dbSNP rs1692954476, ClinGen allele CA345425940.

ClinVar aggregate classification (germline): Uncertain significance. Review status: criteria provided, multiple submitters, no conflicts (2 of 4 stars). 2 submissions from 2 submitters: Uncertain significance (2). Last evaluated 2025-01-03.

Conditions:
Cardiovascular phenotype. Identifiers: MedGen CN230736.
Catecholaminergic polymorphic ventricular tachycardia (CVPT). Also called: Catecholamine-induced polymorphic ventricular tachycardia. Identifiers: Orphanet 3286, MedGen C5574922, MONDO:0017990.

Submissions (2):

Ambry Genetics
Classification: Uncertain significance for Cardiovascular phenotype. Last evaluated: 2025-01-03. Review status: criteria provided, single submitter. Criteria: Ambry Variant Classification Scheme 2023. Collection method: clinical testing. Allele origin: germline.
Comment: The p.A3746T variant (also known as c.11236G>A), located in coding exon 81 of the RYR2 gene, results from a G to A substitution at nucleotide position 11236. The alanine at codon 3746 is replaced by threonine, an amino acid with similar properties. This amino acid position is highly conserved in available vertebrate species. In addition, this alteration is predicted to be deleterious by in silico analysis. Based on the available evidence, the clinical significance of this variant remains unclear.

All of Us Research Program, National Institutes of Health
Classification: Uncertain significance for Catecholaminergic polymorphic ventricular tachycardia. Last evaluated: 2023-05-04. Review status: criteria provided, single submitter. Criteria: ACMG Guidelines, 2015. Collection method: clinical testing. Allele origin: germline. Inheritance: Autosomal dominant inheritance. Observed: 1 variant allele, 1 heterozygote.
Comment: This missense variant replaces alanine with threonine at codon 3746 of the RYR2 protein. Computational prediction suggests that this variant may have deleterious impact on protein structure and function (internally defined REVEL score threshold >= 0.7, PMID: 27666373). To our knowledge, functional studies have not been reported for this variant. This variant has not been reported in individuals affected with RYR2-related disorders in the literature. This variant has not been identified in the general population by the Genome Aggregation Database (gnomAD). The available evidence is insufficient to determine the role of this variant in disease conclusively. Therefore, this variant is classified as a Variant of Uncertain Significance.

This study involves interpretation of variants in research participants for the purpose of population health screening. Participant phenotype was not available at the time of variant classification. Additional details can be found in publication PMID: 35346344, PMCID: PMC8962531